The following is an entry in ClinVar:

ClinVar aggregate classification (germline): Uncertain significance (1 of 4 stars; one submission).

Conditions:
Torsion dystonia 2 (DYT2). Identifiers: Orphanet 99657, MedGen C1857093, MONDO:0009141, OMIM 224500.

gnomAD v4.1: 2 of 1,614,262 alleles (0.00012%); highest among the groups gnomAD compares: Non-Finnish European, 0.00017%; no homozygotes.

Submission:

3billion
Classification: Uncertain significance for Torsion dystonia 2. Last evaluated: 2025-10-23. Review status: criteria provided, single submitter. Criteria: ACMG Guidelines, 2015. Collection method: clinical testing. Allele origin: germline. Affected: yes.
Comment: The variant is observed at an extremely low frequency in the gnomAD v4.1.0 dataset (total allele frequency: <0.001%). Predicted Consequence/Location: Missense variant In silico tool predictions suggest damaging effect of the variant on gene or gene product [REVEL: 0.70 (>=0.6, sensitivity 0.68 and specificity 0.92)]. Therefore, this variant is classified as VUS according to the recommendation of ACMG/AMP guideline.

NM_002143.3(HPCA):c.263C>A (p.Ala88Glu)

Gene: HPCA (hippocalcin; plus strand). Cytogenetic location: 1p35.1.
Variant type: single nucleotide variant.
Coding change: c.263C>A on transcript NM_002143.3 (MANE Select); coding-DNA position 263, C replaced by A.
Protein change: p.Ala88Glu; replaces alanine 88 with glutamic acid.
Molecular consequence: missense variant.
Genome position (GRCh38, 1-based): chr1:32,889,161, C>A. VCF-style: chr1-32889161-C-A. GRCh37 (hg19) VCF-style: chr1-33354762-C-A.
Other names: short protein forms A88E.
Identifiers: ClinVar variation 4856348 (VCV004856348.1).